The following is an entry in ClinVar:

ClinVar aggregate classification (germline): Uncertain significance (1 of 4 stars; one submission).

Conditions:
Werner syndrome (WRN). Identifiers: Orphanet 902, MedGen C0043119, MONDO:0010196, OMIM 277700.

Submission:

Labcorp Genetics (formerly Invitae), Labcorp
Classification: Uncertain significance for Werner syndrome. Last evaluated: 2023-12-08. Review status: criteria provided, single submitter. Criteria: Invitae Variant Classification Sherloc (09022015). Collection method: clinical testing. Allele origin: germline.
Comment: This sequence change replaces valine, which is neutral and non-polar, with isoleucine, which is neutral and non-polar, at codon 281 of the WRN protein (p.Val281Ile). This variant is not present in population databases (gnomAD no frequency). This variant has not been reported in the literature in individuals affected with WRN-related conditions. ClinVar contains an entry for this variant (Variation ID: 1350560). Algorithms developed to predict the effect of missense changes on protein structure and function output the following: SIFT: "Not Available"; PolyPhen-2: "Benign"; Align-GVGD: "Not Available". The isoleucine amino acid residue is found in multiple mammalian species, which suggests that this missense change does not adversely affect protein function. In summary, the available evidence is currently insufficient to determine the role of this variant in disease. Therefore, it has been classified as a Variant of Uncertain Significance.

NM_000553.6(WRN):c.841G>A (p.Val281Ile)

Gene: WRN (WRN RecQ like helicase; plus strand). Cytogenetic location: 8p12.
Variant type: single nucleotide variant.
Coding change: c.841G>A on transcript NM_000553.6 (MANE Select); coding-DNA position 841, G replaced by A.
Protein change: p.Val281Ile; replaces valine 281 with isoleucine.
Molecular consequence: missense variant.
Genome position (GRCh38, 1-based): chr8:31,080,868, G>A. VCF-style: chr8-31080868-G-A. GRCh37 (hg19) VCF-style: chr8-30938384-G-A.
Other names: short protein forms V281I.
Identifiers: ClinVar variation 1350560 (VCV001350560.6), dbSNP rs1060500055, ClinGen allele CA370919582.